The following is an entry in ClinVar:

ClinVar aggregate classification (germline): Conflicting classifications of pathogenicity. Review status: criteria provided, conflicting classifications (1 of 4 stars). 4 submissions from 4 submitters: Uncertain significance (2); Likely benign (2). Last evaluated 2026-01-14.

Conditions:
Joubert syndrome 17 (JBTS17). Identifiers: Orphanet 475, MedGen C3553264, MONDO:0013824, OMIM 614615.
CPLANE1-related disorder. Also called: CPLANE1-related condition.

Allele frequency attached by ClinVar (database versions not stated): gnomAD exomes 0.00010 and 0.00026; gnomAD 0.00013 and 0.00020; TOPMed 0.00022; ExAC 0.00026; 1000 Genomes Project 0.00040; 1000 Genomes Project 30x 0.00047.
gnomAD v4.1: 194 of 1,613,986 alleles (0.012%); highest among the groups gnomAD compares: East Asian, 0.3%; 2 homozygotes.

Submissions (4):

Labcorp Genetics (formerly Invitae), Labcorp
Classification: Likely benign. Last evaluated: 2026-01-14. Review status: criteria provided, single submitter. Criteria: Invitae Variant Classification Sherloc (09022015). Collection method: clinical testing. Allele origin: germline.

PreventionGenetics, part of Exact Sciences
Classification: Likely benign for CPLANE1-related condition. Last evaluated: 2025-10-24. Review status: criteria provided, single submitter. Criteria: ACMG Guidelines, 2015. Collection method: clinical testing. Allele origin: germline.
Comment: This variant is classified as likely benign based on ACMG/AMP sequence variant interpretation guidelines (Richards et al. 2015 PMID: 25741868, with internal and published modifications).

Blueprint Genetics
Classification: Uncertain significance. Last evaluated: 2024-09-19. Review status: criteria provided, single submitter. Criteria: ACMG Guidelines, 2015. Collection method: clinical testing. Allele origin: germline.

Illumina Laboratory Services, Illumina
Classification: Uncertain significance for Joubert syndrome 17. Last evaluated: 2018-01-12. Review status: criteria provided, single submitter. Criteria: ICSL Variant Classification Criteria 13 December 2019. Collection method: clinical testing. Allele origin: germline.

NM_001384732.1(CPLANE1):c.8908G>A (p.Ala2970Thr)

Gene: CPLANE1 (ciliogenesis and planar polarity effector complex subunit 1; minus strand). Cytogenetic location: 5p13.2.
Variant type: single nucleotide variant.
Coding change: c.8908G>A on transcript NM_001384732.1 (MANE Select); coding-DNA position 8908, G replaced by A.
Protein change: p.Ala2970Thr; replaces alanine 2970 with threonine.
Molecular consequence: missense variant.
Genome position (GRCh38, 1-based): chr5:37,125,294, C>T on the plus strand (G>A on the coding strand, the complement: CPLANE1 is on the minus strand). VCF-style: chr5-37125294-C-T. GRCh37 (hg19) VCF-style: chr5-37125396-C-T.
Other names: c.8746G>A, p.Ala2916Thr (NM_023073.4); short protein forms A2916T, A2970T.
Identifiers: ClinVar variation 906759 (VCV000906759.14), dbSNP rs369585190, ClinGen allele CA3237633.